The following is an entry in ClinVar:

ClinVar aggregate classification (germline): Uncertain significance. Review status: criteria provided, multiple submitters, no conflicts (2 of 4 stars). 2 submissions from 2 submitters: Uncertain significance (2). Last evaluated 2025-09-03.

Allele frequency attached by ClinVar (database versions not stated): gnomAD 0.00004; TOPMed 0.00006; gnomAD exomes 0.00010; ESP Exome Variant Server 0.00016.

Submissions (2):

Labcorp Genetics (formerly Invitae), Labcorp
Classification: Uncertain significance. Last evaluated: 2025-09-03. Review status: criteria provided, single submitter. Criteria: Invitae Variant Classification Sherloc (09022015). Collection method: clinical testing. Allele origin: germline.
Comment: This sequence change replaces arginine, which is basic and polar, with tryptophan, which is neutral and slightly polar, at codon 749 of the ITGAM protein (p.Arg749Trp). This variant is present in population databases (rs370244056, gnomAD 0.01%). This variant has not been reported in the literature in individuals affected with ITGAM-related conditions. ClinVar contains an entry for this variant (Variation ID: 1436838). An algorithm developed to predict the effect of missense changes on protein structure and function (PolyPhen-2) suggests that this variant is likely to be disruptive. In summary, the available evidence is currently insufficient to determine the role of this variant in disease. Therefore, it has been classified as a Variant of Uncertain Significance.

Ambry Genetics
Classification: Uncertain significance. Last evaluated: 2025-05-17. Review status: criteria provided, single submitter. Criteria: Ambry Variant Classification Scheme 2023. Collection method: clinical testing. Allele origin: germline.

NM_000632.4(ITGAM):c.2245C>T (p.Arg749Trp)

Gene: ITGAM (integrin subunit alpha M; plus strand). Cytogenetic location: 16p11.2.
Variant type: single nucleotide variant.
Coding change: c.2245C>T on transcript NM_000632.4 (MANE Select); coding-DNA position 2245, C replaced by T.
Protein change: p.Arg749Trp; replaces arginine 749 with tryptophan.
Molecular consequence: missense variant.
Genome position (GRCh38, 1-based): chr16:31,324,738, C>T. VCF-style: chr16-31324738-C-T. GRCh37 (hg19) VCF-style: chr16-31336059-C-T.
Other names: c.2245C>T (NM_000632.3); c.2248C>T, p.Arg750Trp (NM_001145808.2); short protein forms R749W, R750W.
Identifiers: ClinVar variation 1436838 (VCV001436838.10), dbSNP rs370244056, ClinGen allele CA8025763.